The following is an entry in ClinVar:

ClinVar aggregate classification (germline): Uncertain significance. Review status: criteria provided, multiple submitters, no conflicts (2 of 4 stars). 3 submissions from 3 submitters: Uncertain significance (3). Last evaluated 2023-12-05.

Conditions:
Ehlers-Danlos syndrome, type 4 (EDSVASC). Also called: Ehlers-Danlos Syndrome Type IV; Ehlers-Danlos syndrome vascular type; Ehlers Danlos syndrome, ecchymotic type; Ehlers Danlos syndrome, arterial type; Ehlers Danlos syndrome, Sack-Barabas type. Identifiers: Orphanet 286, MedGen C0268338, MONDO:0017314, OMIM 130050.
Polymicrogyria with or without vascular-type Ehlers-Danlos syndrome. Identifiers: Orphanet 636941, MedGen C5193040, MONDO:0032688, OMIM 618343.
Familial thoracic aortic aneurysm and aortic dissection (TAAD). Also called: Thoracic aortic aneurysms and dissections. Identifiers: Orphanet 91387, MedGen C4707243, MONDO:0019625.

Allele frequency attached by ClinVar (database versions not stated): gnomAD exomes below 0.00001; TOPMed below 0.00001.
gnomAD v4.1: 1 of 1,614,194 alleles (0.000062%); highest among the groups gnomAD compares: Non-Finnish European, 0.000085%; no homozygotes.

Submissions (3):

Color Diagnostics, LLC DBA Color Health
Classification: Uncertain significance for Familial thoracic aortic aneurysm and aortic dissection. Last evaluated: 2023-12-05. Review status: criteria provided, single submitter. Criteria: ACMG Guidelines, 2015. Collection method: clinical testing. Allele origin: germline.
Comment: This missense variant replaces phenylalanine with serine at codon 1267 of the COL3A1 protein. Computational prediction tools and conservation analyses are inconclusive regarding the impact of this variant on the protein function. Computational splicing tools suggest that this variant may not impact RNA splicing. To our knowledge, functional assays have not been performed for this variant nor has this variant been reported in individuals affected with cardiovascular disorders in the literature. This variant has not been identified in the general population by the Genome Aggregation Database (gnomAD). Available evidence is insufficient to determine the role of this variant in disease conclusively. Therefore, this variant is classified as a Variant of Uncertain Significance.

All of Us Research Program, National Institutes of Health
Classification: Uncertain significance for Ehlers-Danlos syndrome, type 4. Last evaluated: 2023-05-15. Review status: criteria provided, single submitter. Criteria: ACMG Guidelines, 2015. Collection method: clinical testing. Allele origin: germline. Inheritance: Autosomal dominant inheritance. Observed: 1 variant allele, 1 heterozygote.
Comment: This missense variant replaces phenylalanine with serine at codon 1267 of the COL3A1 protein. Computational prediction tools and conservation analyses are inconclusive regarding the impact of this variant on the protein function. Computational splicing tools suggest that this variant may not impact RNA splicing. To our knowledge, functional assays have not been performed for this variant nor has this variant been reported in individuals affected with cardiovascular disorders in the literature. This variant has not been identified in the general population by the Genome Aggregation Database (gnomAD). Available evidence is insufficient to determine the role of this variant in disease conclusively. Therefore, this variant is classified as a Variant of Uncertain Significance.

This study involves interpretation of variants in research participants for the purpose of population health screening. Participant phenotype was not available at the time of variant classification. Additional details can be found in publication PMID: 35346344, PMCID: PMC8962531

Fulgent Genetics
Classification: Uncertain significance for Ehlers-Danlos syndrome, type 4; Polymicrogyria with or without vascular-type Ehlers-Danlos syndrome. Last evaluated: 2021-10-26. Review status: criteria provided, single submitter. Criteria: ACMG Guidelines, 2015. Collection method: clinical testing. Allele origin: unknown.

NM_000090.4(COL3A1):c.3800T>C (p.Phe1267Ser)

Gene: COL3A1 (collagen type III alpha 1 chain; plus strand). Cytogenetic location: 2q32.2.
Variant type: single nucleotide variant.
Coding change: c.3800T>C on transcript NM_000090.4 (MANE Select); coding-DNA position 3800, T replaced by C.
Protein change: p.Phe1267Ser; replaces phenylalanine 1267 with serine.
Molecular consequence: missense variant.
Genome position (GRCh38, 1-based): chr2:189,009,198, T>C. VCF-style: chr2-189009198-T-C. GRCh37 (hg19) VCF-style: chr2-189873924-T-C.
Other names: short protein forms F1267S.
Identifiers: ClinVar variation 919981 (VCV000919981.7), dbSNP rs1194692141, ClinGen allele CA349847772.
Genomic context (GRCh38, chr2:189,009,198, plus strand): 5'-GCCTCATTAGTCCTGATGGTTCTCGTAAAAACCCCGCTAGAAACTGCAGAGACCTGAAAT[T>C]CTGCCATCCTGAACTCAAGAGTGGTATGTTTGGTAGTCTTTCATCTTCATGGCAATAGGA-3'
Protein context (NP_000081.2, residues 1257-1277): NPARNCRDLK[Phe1267Ser]CHPELKSGEY